The following is an entry in ClinVar:

NM_004994.3(MMP9):c.97G>A (p.Gly33Arg)

Gene: MMP9 (matrix metallopeptidase 9; plus strand). Cytogenetic location: 20q13.12.
Variant type: single nucleotide variant.
Coding change: c.97G>A on transcript NM_004994.3 (MANE Select); coding-DNA position 97, G replaced by A.
Protein change: p.Gly33Arg; replaces glycine 33 with arginine.
Molecular consequence: missense variant.
Genome position (GRCh38, 1-based): chr20:46,009,023, G>A. VCF-style: chr20-46009023-G-A. GRCh37 (hg19) VCF-style: chr20-44637662-G-A.
Other names: short protein forms G33R.
Identifiers: ClinVar variation 3709069 (VCV003709069.2).

ClinVar aggregate classification (germline): Uncertain significance (1 of 4 stars; one submission).

Submission:

Labcorp Genetics (formerly Invitae), Labcorp
Classification: Uncertain significance. Last evaluated: 2024-07-31. Review status: criteria provided, single submitter. Criteria: Invitae Variant Classification Sherloc (09022015). Collection method: clinical testing. Allele origin: germline.
Comment: This sequence change replaces glycine, which is neutral and non-polar, with arginine, which is basic and polar, at codon 33 of the MMP9 protein (p.Gly33Arg). This variant is present in population databases (no rsID available, gnomAD 0.002%). This variant has not been reported in the literature in individuals affected with MMP9-related conditions. Advanced modeling of protein sequence and biophysical properties (such as structural, functional, and spatial information, amino acid conservation, physicochemical variation, residue mobility, and thermodynamic stability) performed at Invitae indicates that this missense variant is not expected to disrupt MMP9 protein function with a negative predictive value of 80%. Algorithms developed to predict the effect of sequence changes on RNA splicing suggest that this variant may disrupt the consensus splice site. In summary, the available evidence is currently insufficient to determine the role of this variant in disease. Therefore, it has been classified as a Variant of Uncertain Significance.